The following is an entry in ClinVar:

GRCh38/hg38 3p14.1(chr3:67561815-68974197)x1

Genes: SUCLG2 (succinate-CoA ligase GDP-forming subunit beta; minus strand), SUCLG2-DT (SUCLG2 divergent transcript; plus strand), TAFA1 (TAFA chemokine like family member 1; plus strand), TAFA4 (TAFA chemokine like family member 4; minus strand), LOC105377146 (uncharacterized LOC105377146; plus strand) and 4 more. Cytogenetic location: 3p14.1.
Variant type: copy number loss.
Change: copy number 1 (one copy instead of two) of chr3:67,561,815-68,974,197 (1.41 Mb, GRCh38 coordinates, 1-based), cytogenetic band 3p14.1.
Identifiers: ClinVar variation 155469 (VCV000155469.2).

ClinVar aggregate classification (germline): conflicting data from submitters (0 of 4 stars; one submission).

Submission:

ISCA site 1
Classification: conflicting data from submitters. Last evaluated: 2015-07-15. Review status: no assertion criteria provided. Collection method: clinical testing. Allele origin: unknown, maternal. Affected: yes. Observed: 2 variant alleles.
Comment: Uncertain significance(1), Likely benign (1)

Copy number variation identified through the course of routine clinical cytogenomic testing in postnatal populations, with clinical assertions as classified by the original submitter. For data from the original published study, Kaminsky, et al. 2011 (PubMed 21844811), please see nstd101.